The following is an entry in ClinVar:

NM_001388492.1(HTT):c.1246C>T (p.Arg416Cys)

Gene: HTT (huntingtin; plus strand). Cytogenetic location: 4p16.3.
Variant type: single nucleotide variant.
Coding change: c.1246C>T on transcript NM_001388492.1 (MANE Select); coding-DNA position 1246, C replaced by T.
Protein change: p.Arg416Cys; replaces arginine 416 with cysteine.
Molecular consequence: missense variant.
Genome position (GRCh38, 1-based): chr4:3,121,405, C>T. VCF-style: chr4-3121405-C-T. GRCh37 (hg19) VCF-style: chr4-3123132-C-T.
Other names: c.1252C>T, p.Arg418Cys (NM_002111.8); short protein forms R418C, R416C.
Identifiers: ClinVar variation 521676 (VCV000521676.5), dbSNP rs367833914, ClinGen allele CA2823471.
Genomic context (GRCh38, chr4:3,121,405, plus strand): 5'-ACCGCAGTCGGGGGCATTGGGCAGCTCACCGCTGCTAAGGAGGAGTCTGGTGGCCGAAGC[C>T]GTAGTGGGAGTATTGTGGAACTTATAGGCAAGTTATTAGCAAGGTCTACTCTTACAATTA-3'
Protein context (NP_001375421.1, residues 406-426): AAKEESGGRS[Arg416Cys]SGSIVELIAG

ClinVar aggregate classification (germline): Uncertain significance (1 of 4 stars; one submission).

Conditions:
Inborn genetic diseases. Identifiers: MedGen C0950123, MeSH D030342.

Allele frequency attached by ClinVar (database versions not stated): ExAC 0.00001; TOPMed 0.00001; gnomAD exomes below 0.00001; gnomAD 0.00001; ESP Exome Variant Server 0.00008.
gnomAD v4.1: 8 of 1,613,734 alleles (0.0005%); highest among the groups gnomAD compares: African/African-American, 0.0027%; no homozygotes.

Submission:

Ambry Genetics
Classification: Uncertain significance for Inborn genetic diseases. Last evaluated: 2025-01-27. Review status: criteria provided, single submitter. Criteria: Ambry Variant Classification Scheme 2023. Collection method: clinical testing. Allele origin: germline.
Comment: The c.1252C>T (p.R418C) alteration is located in exon 9 (coding exon 9) of the HTT gene. This alteration results from a C to T substitution at nucleotide position 1252, causing the arginine (R) at amino acid position 418 to be replaced by a cysteine (C). Based on data from gnomAD, the T allele has an overall frequency of <0.001% (1/249292) total alleles studied. The highest observed frequency was 0.006% (1/15486) of African/African American alleles. This amino acid position is highly conserved in available vertebrate species. Based on insufficient or conflicting evidence, the clinical significance of this alteration remains unclear.